The following is an entry in ClinVar:

ClinVar aggregate classification (germline): Uncertain significance (1 of 4 stars; one submission).

Allele frequency attached by ClinVar (database versions not stated): gnomAD exomes 0.00004; TOPMed 0.00004; gnomAD 0.00005; ExAC 0.00008; 1000 Genomes Project 30x 0.00031.
gnomAD v4.1: 64 of 1,591,294 alleles (0.004%); highest among the groups gnomAD compares: Middle Eastern, 0.017%; 1 homozygote.

Submission:

Labcorp Genetics (formerly Invitae), Labcorp
Classification: Uncertain significance. Last evaluated: 2023-12-12. Review status: criteria provided, single submitter. Criteria: Invitae Variant Classification Sherloc (09022015). Collection method: clinical testing. Allele origin: germline.
Comment: This sequence change replaces serine, which is neutral and polar, with glycine, which is neutral and non-polar, at codon 171 of the KANK2 protein (p.Ser171Gly). This variant is present in population databases (rs765257924, gnomAD 0.02%). This variant has not been reported in the literature in individuals affected with KANK2-related conditions. ClinVar contains an entry for this variant (Variation ID: 1919680). Algorithms developed to predict the effect of missense changes on protein structure and function output the following: SIFT: "Not Available"; PolyPhen-2: "Benign"; Align-GVGD: "Not Available". The glycine amino acid residue is found in multiple mammalian species, which suggests that this missense change does not adversely affect protein function. In summary, the available evidence is currently insufficient to determine the role of this variant in disease. Therefore, it has been classified as a Variant of Uncertain Significance.

NM_001136191.3(KANK2):c.511A>G (p.Ser171Gly)

Gene: KANK2 (KN motif and ankyrin repeat domains 2; minus strand). Cytogenetic location: 19p13.2.
Variant type: single nucleotide variant.
Coding change: c.511A>G on transcript NM_001136191.3 (MANE Select); coding-DNA position 511, A replaced by G.
Protein change: p.Ser171Gly; replaces serine 171 with glycine.
Molecular consequence: missense variant.
Genome position (GRCh38, 1-based): chr19:11,193,569, T>C on the plus strand (A>G on the coding strand, the complement: KANK2 is on the minus strand). VCF-style: chr19-11193569-T-C. GRCh37 (hg19) VCF-style: chr19-11304245-T-C.
Other names: c.511A>G, p.Ser171Gly (NM_001329451.2, NM_001379548.1, NM_001379549.1 and 15 more transcripts); short protein forms S171G.
Identifiers: ClinVar variation 1919680 (VCV001919680.5), dbSNP rs765257924, ClinGen allele CA9206044.